The following is an entry in ClinVar:

ClinVar aggregate classification (germline): Uncertain significance (1 of 4 stars; one submission).

Submission:

Ambry Genetics
Classification: Uncertain significance. Last evaluated: 2025-02-25. Review status: criteria provided, single submitter. Criteria: Ambry Variant Classification Scheme 2023. Collection method: clinical testing. Allele origin: germline.
Comment: The p.V781A variant (also known as c.2342T>C), located in coding exon 13 of the GEN1 gene, results from a T to C substitution at nucleotide position 2342. The valine at codon 781 is replaced by alanine, an amino acid with similar properties. This amino acid position is conserved. In addition, this alteration is predicted to be tolerated by in silico analysis. Based on the available evidence, the clinical significance of this variant remains unclear.

NM_001130009.3(GEN1):c.2342T>C (p.Val781Ala)

Gene: GEN1 (GEN1 Holliday junction 5' flap endonuclease; plus strand). Cytogenetic location: 2p24.2.
Variant type: single nucleotide variant.
Coding change: c.2342T>C on transcript NM_001130009.3 (MANE Select); coding-DNA position 2342, T replaced by C.
Protein change: p.Val781Ala; replaces valine 781 with alanine.
Molecular consequence: missense variant.
Genome position (GRCh38, 1-based): chr2:17,781,554, T>C. VCF-style: chr2-17781554-T-C. GRCh37 (hg19) VCF-style: chr2-17962821-T-C.
Other names: c.2342T>C, p.Val781Ala (NM_182625.5); short protein forms V781A.
Identifiers: ClinVar variation 3853595 (VCV003853595.1).